The following is an entry in ClinVar:

NM_002693.3(POLG):c.3608_3612del (p.Pro1203fs)

Gene: POLG (DNA polymerase gamma, catalytic subunit; minus strand). Cytogenetic location: 15q26.1.
Variant type: Deletion.
Coding change: c.3608_3612del on transcript NM_002693.3 (MANE Select); coding-DNA positions 3608 to 3612, 5 bases deleted (CAACT; older notation c.3608_3612delCAACT).
Protein change: p.Pro1203fs; shifts the reading frame from proline 1203.
Molecular consequence: frameshift variant.
Genome position (GRCh38, 1-based): chr15:89,317,407-89,317,411, AGTTG deleted on the plus strand (CAACT on the coding strand, the reverse complement: POLG is on the minus strand). VCF-style (leftmost placement, unchanged base first): chr15-89317406-CAGTTG-C. GRCh37 (hg19) VCF-style: chr15-89860637-CAGTTG-C.
Other names: c.3608_3612del, p.Pro1203fs (NM_001126131.2); short protein forms P1203fs.
Identifiers: ClinVar variation 2866053 (VCV002866053.3), dbSNP rs2509182728, ClinGen allele CA2739269728.
Genomic context (GRCh38, chr15:89,317,406, plus strand): 5'-TGTAATGAGGAACAAATGTGTTGTGCTCACCCTGGGGAATCCCGTATCTCCTTTCCATCC[CAGTTG>C]GGTTGGAAGGGGTTTTACAATCCATGGTCACTTCCTTCCTGAGGCACCGGTCAATATCGA-3'

ClinVar aggregate classification (germline): Pathogenic (1 of 4 stars; one submission).

Conditions:
Progressive sclerosing poliodystrophy (MTDPS4A). Also called: Mitochondrial DNA depletion syndrome 4A (Alpers type); ALPERS PROGRESSIVE INFANTILE POLIODYSTROPHY; NEURONAL DEGENERATION OF CHILDHOOD WITH LIVER DISEASE, PROGRESSIVE; Alpers Syndrome; ALPERS DIFFUSE DEGENERATION OF CEREBRAL GRAY MATTER WITH HEPATIC CIRRHOSIS; Alpers-Huttenlocher Syndrome. Identifiers: Orphanet 726, MedGen C0205710, MONDO:0008758, OMIM 203700.

Submission:

Labcorp Genetics (formerly Invitae), Labcorp
Classification: Pathogenic for Progressive sclerosing poliodystrophy. Last evaluated: 2023-05-20. Review status: criteria provided, single submitter. Criteria: Invitae Variant Classification Sherloc (09022015). Collection method: clinical testing. Allele origin: germline.
Comment: For these reasons, this variant has been classified as Pathogenic. This variant disrupts a region of the POLG protein in which other variant(s) (p.Tyr1210*) have been determined to be pathogenic (PMID: 20691285, 30385167, 30423451). This suggests that this is a clinically significant region of the protein, and that variants that disrupt it are likely to be disease-causing. This sequence change creates a premature translational stop signal (p.Pro1203Argfs*12) in the POLG gene. While this is not anticipated to result in nonsense mediated decay, it is expected to disrupt the last 37 amino acid(s) of the POLG protein. This variant is not present in population databases (gnomAD no frequency). This variant has not been reported in the literature in individuals affected with POLG-related conditions.

Literature cited by the submitters: PubMed 20691285; PubMed 30385167; PubMed 30423451.